The following is an entry in ClinVar:

NM_001365896.1(NACA):c.3339A>C (p.Pro1113=)

Gene: NACA (nascent polypeptide associated complex subunit alpha; minus strand). Cytogenetic location: 12q13.3.
Variant type: single nucleotide variant.
Coding change: c.3339A>C on transcript NM_001365896.1 (MANE Select); coding-DNA position 3339, A replaced by C.
Protein change: p.Pro1113=; no amino-acid change (proline 1113 retained).
Molecular consequence: synonymous variant. On other transcripts: intron variant (6).
Genome position (GRCh38, 1-based): chr12:56,718,191, T>G on the plus strand (A>C on the coding strand, the complement: NACA is on the minus strand). VCF-style: chr12-56718191-T-G. GRCh37 (hg19) VCF-style: chr12-57111975-T-G.
Other names: c.71-3504A>C (NM_001113202.2, NM_001320194.2, NM_001320193.2 and 2 more transcripts); c.1864+1346A>C (NM_001113203.3).
Identifiers: ClinVar variation 4821042 (VCV004821042.4).

ClinVar aggregate classification (germline): Likely benign (1 of 4 stars; one submission).

Submission:

CeGaT Center for Human Genetics Tuebingen
Classification: Likely benign. Last evaluated: 2026-02-01. Review status: criteria provided, single submitter. Criteria: CeGaT Center For Human Genetics Tuebingen Variant Classification Criteria Version 2. Collection method: clinical testing. Allele origin: germline. Affected: yes. Observed: 1 variant allele.
Comment: NACA: BP4, BP7